The following is an entry in ClinVar:

ClinVar aggregate classification (germline): Uncertain significance (1 of 4 stars; one submission).

Conditions:
Autosomal dominant nonsyndromic hearing loss 1. Also called: DEAFNESS, AUTOSOMAL DOMINANT 1, WITH OR WITHOUT THROMBOCYTOPENIA; KONIGSMARK SYNDROME. Identifiers: Orphanet 90635, MedGen C1852282, MONDO:0007424, OMIM 124900.
Progressive microcephaly-seizures-cortical blindness-developmental delay syndrome. Also called: Seizures, cortical blindness, and microcephaly syndrome. Identifiers: Orphanet 477814, MedGen C5567650, MONDO:0014714, OMIM 616632.

Allele frequency attached by ClinVar (database versions not stated): gnomAD exomes below 0.00001; TOPMed below 0.00001; ExAC 0.00001.
gnomAD v4.1: 1 of 1,614,242 alleles (0.000062%); highest among the groups gnomAD compares: African/African-American, 0.0013%; no homozygotes.

Submission:

Labcorp Genetics (formerly Invitae), Labcorp
Classification: Uncertain significance for Progressive microcephaly-seizures-cortical blindness-developmental delay syndrome; Autosomal dominant nonsyndromic hearing loss 1. Last evaluated: 2025-10-01. Review status: criteria provided, single submitter. Criteria: Invitae Variant Classification Sherloc (09022015). Collection method: clinical testing. Allele origin: germline.
Comment: This sequence change replaces lysine, which is basic and polar, with arginine, which is basic and polar, at codon 143 of the DIAPH1 protein (p.Lys143Arg). This variant is present in population databases (rs771407456, gnomAD 0.006%). This variant has not been reported in the literature in individuals affected with DIAPH1-related conditions. ClinVar contains an entry for this variant (Variation ID: 2067521). An algorithm developed to predict the effect of missense changes on protein structure and function outputs the following: PolyPhen-2: "Not Available". The arginine amino acid residue is found in multiple mammalian species, which suggests that this missense change does not adversely affect protein function. In summary, the available evidence is currently insufficient to determine the role of this variant in disease. Therefore, it has been classified as a Variant of Uncertain Significance.

NM_005219.5(DIAPH1):c.428A>G (p.Lys143Arg)

Gene: DIAPH1 (diaphanous related formin 1; minus strand). Cytogenetic location: 5q31.3.
Variant type: single nucleotide variant.
Coding change: c.428A>G on transcript NM_005219.5 (MANE Select); coding-DNA position 428, A replaced by G.
Protein change: p.Lys143Arg; replaces lysine 143 with arginine.
Molecular consequence: missense variant.
Genome position (GRCh38, 1-based): chr5:141,583,590, T>C on the plus strand (A>G on the coding strand, the complement: DIAPH1 is on the minus strand). VCF-style: chr5-141583590-T-C. GRCh37 (hg19) VCF-style: chr5-140963157-T-C.
Other names: c.401A>G, p.Lys134Arg (NM_001079812.3); c.428A>G, p.Lys143Arg (NM_001314007.2); short protein forms K134R, K143R.
Identifiers: ClinVar variation 2067521 (VCV002067521.4), dbSNP rs771407456, ClinGen allele CA3479597.